The following is an entry in ClinVar:

NM_000038.6(APC):c.2343C>G (p.Pro781=)

Gene: APC (APC regulator of Wnt signaling pathway; plus strand). Cytogenetic location: 5q22.2.
Variant type: single nucleotide variant.
Coding change: c.2343C>G on transcript NM_000038.6 (MANE Select); coding-DNA position 2343, C replaced by G.
Protein change: p.Pro781=; no amino-acid change (proline 781 retained).
Molecular consequence: synonymous variant. On other transcripts: non-coding transcript variant (2).
Genome position (GRCh38, 1-based): chr5:112,837,937, C>G. VCF-style: chr5-112837937-C-G. GRCh37 (hg19) VCF-style: chr5-112173634-C-G.
Other names: c.2343C>G, p.Pro781= (NM_001127510.3, NM_001354895.2, NM_001407450.1); c.2289C>G, p.Pro763= (NM_001127511.3); c.2397C>G, p.Pro799= (NM_001354896.2, NM_001407447.1, NM_001407448.1 and 1 more transcripts); c.2373C>G, p.Pro791= (NM_001354897.2); c.2268C>G, p.Pro756= (NM_001354898.2); c.2259C>G, p.Pro753= (NM_001354899.2); c.2220C>G, p.Pro740= (NM_001354900.2); c.2166C>G, p.Pro722= (NM_001354901.2, NM_001407453.1); and 12 more.
Identifiers: ClinVar variation 2115637 (VCV002115637.6), dbSNP rs754449949, ClinGen allele CA031720.
Genomic context (GRCh38, chr5:112,837,937, plus strand): 5'-AGCAGAATTAGATGCTCAGCACTTATCAGAAACTTTTGACAATATAGACAATTTAAGTCC[C>G]AAGGCATCTCATCGTAGTAAGCAGAGACACAAGCAAAGTCTCTATGGTGATTATGTTTTT-3'
Protein context (NP_000029.2, residues 771-791): ETFDNIDNLS[Pro781=]KASHRSKQRH

ClinVar aggregate classification (germline): Benign/Likely benign. Review status: criteria provided, multiple submitters, no conflicts (2 of 4 stars). 3 submissions from 3 submitters: Benign (1); Likely benign (2). Last evaluated 2025-12-07.

Conditions:
Familial adenomatous polyposis 1 (FAP1). Also called: FAMILIAL ADENOMATOUS POLYPOSIS 1, ATTENUATED; POLYPOSIS, ADENOMATOUS INTESTINAL. Identifiers: MedGen C2713442, MONDO:0021056, OMIM 175100. Disease mechanism: loss of function.
Hereditary cancer-predisposing syndrome. Also called: Neoplastic Syndromes, Hereditary; Tumor predisposition; Hereditary Cancer Syndrome; Hereditary neoplastic syndrome. Identifiers: Orphanet 140162, MedGen C0027672, MeSH D009386, MONDO:0015356.

Allele frequency attached by ClinVar (database versions not stated): gnomAD exomes below 0.00001; ExAC 0.00001.

Submissions (3):

Ambry Genetics
Classification: Likely benign for Hereditary cancer-predisposing syndrome. Last evaluated: 2025-12-07. Review status: criteria provided, single submitter. Criteria: Ambry Variant Classification Scheme 2023. Collection method: clinical testing. Allele origin: germline.

Labcorp Genetics (formerly Invitae), Labcorp
Classification: Likely benign for Familial adenomatous polyposis 1. Last evaluated: 2025-10-18. Review status: criteria provided, single submitter. Criteria: Invitae Variant Classification Sherloc (09022015). Collection method: clinical testing. Allele origin: germline.

Myriad Genetics, Inc.
Classification: Benign for Familial adenomatous polyposis 1. Last evaluated: 2024-03-12. Review status: criteria provided, single submitter. Criteria: Myriad Autosomal Dominant, Autosomal Recessive and X-Linked Classification Criteria (2023). Collection method: clinical testing. Allele origin: unknown.
Comment: This variant is considered benign. This variant is a silent/synonymous amino acid change and it is not expected to impact splicing.